The following is an entry in ClinVar:

ClinVar aggregate classification (germline): Benign (0 of 4 stars; one submission).

Conditions:
GRB10-related disorder. Also called: GRB10-related condition.

Allele frequency attached by ClinVar (database versions not stated): gnomAD exomes 0.00136; ExAC 0.00440; ESP Exome Variant Server 0.01308; gnomAD 0.01390; TOPMed 0.01578; 1000 Genomes Project 0.01877; 1000 Genomes Project 30x 0.02014.
gnomAD v4.1: 4,203 of 1,607,456 alleles (0.26%); highest among the groups gnomAD compares: African/African-American, 4.9%; 95 homozygotes.

Submission:

PreventionGenetics, part of Exact Sciences
Classification: Benign for GRB10-related condition. Last evaluated: 2019-06-13. Review status: no assertion criteria provided. Collection method: clinical testing. Allele origin: germline.
Comment: This variant is classified as benign based on ACMG/AMP sequence variant interpretation guidelines (Richards et al. 2015 PMID: 25741868, with internal and published modifications).

NM_001350814.2(GRB10):c.1457-10C>T

Gene: GRB10 (growth factor receptor bound protein 10; minus strand). Cytogenetic location: 7p12.1.
Variant type: single nucleotide variant.
Coding change: c.1457-10C>T on transcript NM_001350814.2 (MANE Select); 10 bases into the intron before coding-DNA position 1457, C replaced by T.
Molecular consequence: intron variant.
Genome position (GRCh38, 1-based): chr7:50,604,095, G>A on the plus strand (C>T on the coding strand, the complement: GRB10 is on the minus strand). VCF-style: chr7-50604095-G-A. GRCh37 (hg19) VCF-style: chr7-50671792-G-A.
Other names: c.1283-10C>T (NM_001371008.1, NM_001001555.3, NM_001001550.3 and 1 more transcripts); c.1571-10C>T (NM_001350815.2); c.1604-10C>T (NM_001371009.1); c.1319-10C>T (NM_001001549.3).
Identifiers: ClinVar variation 3043970 (VCV003043970.2), dbSNP rs79207373, ClinGen allele CA4262606.